The following is an entry in ClinVar:

ClinVar aggregate classification (germline): Uncertain significance (1 of 4 stars; one submission).

Conditions:
Catecholaminergic polymorphic ventricular tachycardia (CVPT). Also called: Catecholamine-induced polymorphic ventricular tachycardia. Identifiers: Orphanet 3286, MedGen C5574922, MONDO:0017990.

Submission:

All of Us Research Program, National Institutes of Health
Classification: Uncertain significance for Catecholaminergic polymorphic ventricular tachycardia. Last evaluated: 2024-08-06. Review status: criteria provided, single submitter. Criteria: ACMG Guidelines, 2015. Collection method: clinical testing. Allele origin: germline. Inheritance: Autosomal dominant inheritance. Observed: 1 variant allele, 1 heterozygote.
Comment: This study involves interpretation of variants in research participants for the purpose of population health screening. Participant phenotype was not available at the time of variant classification. Additional details can be found in publication PMID: 35346344, PMCID: PMC8962531

NM_001035.3(RYR2):c.8201T>C (p.Met2734Thr)

Gene: RYR2 (ryanodine receptor 2; plus strand). Cytogenetic location: 1q43.
Variant type: single nucleotide variant.
Coding change: c.8201T>C on transcript NM_001035.3 (MANE Select); coding-DNA position 8201, T replaced by C.
Protein change: p.Met2734Thr; replaces methionine 2734 with threonine.
Molecular consequence: missense variant.
Genome position (GRCh38, 1-based): chr1:237,658,015, T>C. VCF-style: chr1-237658015-T-C. GRCh37 (hg19) VCF-style: chr1-237821315-T-C.
Other names: short protein forms M2734T.
Identifiers: ClinVar variation 3385789 (VCV003385789.1).